The following is an entry in ClinVar:

NM_198271.5(LMOD3):c.248G>A (p.Arg83His)

Genes: LMOD3 (leiomodin 3; minus strand), LOC126806710 (CDK7 strongly-dependent group 2 enhancer GRCh37_chr3:69170601-69171800; plus strand). Cytogenetic location: 3p14.1.
Variant type: single nucleotide variant.
Coding change: c.248G>A on transcript NM_198271.5 (MANE Select); coding-DNA position 248, G replaced by A.
Protein change: p.Arg83His; replaces arginine 83 with histidine.
Molecular consequence: missense variant.
Genome position (GRCh38, 1-based): chr3:69,122,139, C>T on the plus strand (G>A on the coding strand, the complement: LMOD3 is on the minus strand). VCF-style: chr3-69122139-C-T. GRCh37 (hg19) VCF-style: chr3-69171290-C-T.
Other names: p.Arg83His; c.248G>A, p.Arg83His (NM_001304418.3); short protein forms R83H.
Identifiers: ClinVar variation 475315 (VCV000475315.15), dbSNP rs35740823, ClinGen allele CA2489046.

ClinVar aggregate classification (germline): Benign. Review status: criteria provided, multiple submitters, no conflicts (2 of 4 stars). 4 submissions from 4 submitters: Benign (4). Last evaluated 2026-02-01.

Conditions:
Nemaline myopathy 10 (NEM10). Identifiers: MedGen C4015360, MONDO:0014513, OMIM 616165.

Allele frequency attached by ClinVar (database versions not stated): 1000 Genomes Project 30x 0.01234; 1000 Genomes Project 0.01238; TOPMed 0.02398; gnomAD 0.02485 and 0.02551; ESP Exome Variant Server 0.02791; gnomAD exomes 0.03327.
gnomAD v4.1: 52,002 of 1,612,120 alleles (3.2%); highest among the groups gnomAD compares: Non-Finnish European, 3.8%; 980 homozygotes.

Submissions (4):

Labcorp Genetics (formerly Invitae), Labcorp
Classification: Benign for Nemaline myopathy 10. Last evaluated: 2026-02-01. Review status: criteria provided, single submitter. Criteria: Invitae Variant Classification Sherloc (09022015). Collection method: clinical testing. Allele origin: germline.

Mayo Clinic Laboratories, Mayo Clinic
Classification: Benign. Last evaluated: 2023-01-25. Review status: criteria provided, single submitter. Criteria: ACMG Guidelines, 2015. Collection method: clinical testing. Allele origin: germline. Observed: 15 variant alleles.
Comment: BS1, BS2, BP4

GeneDx
Classification: Benign. Last evaluated: 2019-07-31. Review status: criteria provided, single submitter. Criteria: GeneDx Variant Classification Process June 2021. Collection method: clinical testing. Allele origin: germline. Affected: yes.
Comment: This variant is associated with the following publications: (PMID: 29923248)

Breakthrough Genomics
Classification: Benign. Review status: criteria provided, single submitter. Criteria: ACMG Guidelines, 2015. Collection method: not provided. Allele origin: germline. Inheritance: Autosomal recessive inheritance. Affected: yes.